The following is an entry in ClinVar:

ClinVar aggregate classification (germline): Uncertain significance (1 of 4 stars; one submission).

Conditions:
Legius syndrome. Identifiers: Orphanet 137605, MedGen C1969623, MONDO:0012669, OMIM 611431. Disease mechanism: loss of function.

Submission:

Labcorp Genetics (formerly Invitae), Labcorp
Classification: Uncertain significance for Legius syndrome. Last evaluated: 2024-04-09. Review status: criteria provided, single submitter. Criteria: Invitae Variant Classification Sherloc (09022015). Collection method: clinical testing. Allele origin: germline.
Comment: This variant, c.28_30del, results in the deletion of 1 amino acid(s) of the SPRED1 protein (p.Asn10del), but otherwise preserves the integrity of the reading frame. This variant is not present in population databases (gnomAD no frequency). This variant has not been reported in the literature in individuals affected with SPRED1-related conditions. Experimental studies and prediction algorithms are not available or were not evaluated, and the functional significance of this variant is currently unknown. In summary, the available evidence is currently insufficient to determine the role of this variant in disease. Therefore, it has been classified as a Variant of Uncertain Significance.

NM_152594.3(SPRED1):c.28_30del (p.Asn10del)

Gene: SPRED1 (sprouty related EVH1 domain containing 1; plus strand). Cytogenetic location: 15q14.
Variant type: Deletion.
Coding change: c.28_30del on transcript NM_152594.3 (MANE Select); coding-DNA positions 28 to 30, 3 bases deleted (AAC; older notation c.28_30delAAC).
Protein change: p.Asn10del; deletes asparagine 10.
Genome position (GRCh38, 1-based): chr15:38,253,213-38,253,215, AAC deleted; deleting any 3 consecutive bases within chr15:38,253,211-38,253,215 gives the same sequence; the c. name uses the placement nearest the transcript's 3' end. VCF-style (leftmost placement, unchanged base first): chr15-38253210-GACA-G. GRCh37 (hg19) VCF-style: chr15-38545411-GACA-G.
Other names: short protein forms N10del.
Identifiers: ClinVar variation 3706312 (VCV003706312.2).
Genomic context (GRCh38, chr15:38,253,210, plus strand): 5'-TCCTCCATCTCCAGATCGGATCACGGTGAGGGAAAGATGAGCGAGGAGACGGCGACTTCT[GACA>G]ACGAGTAAGCGCCTCATTGATCTCGATTGCTAATCCCCCTCCCCCTATCCGCCCTCGGCT-3'